The following is an entry in ClinVar:

ClinVar aggregate classification (germline): Uncertain significance (1 of 4 stars; one submission).

Allele frequency attached by ClinVar (database versions not stated): ExAC 0.00007.

Submission:

Ambry Genetics
Classification: Uncertain significance. Last evaluated: 2021-08-09. Review status: criteria provided, single submitter. Criteria: Ambry Variant Classification Scheme 2023. Collection method: clinical testing. Allele origin: germline.
Comment: The p.R202H variant (also known as c.605G>A), located in coding exon 7 of the RAD54L gene, results from a G to A substitution at nucleotide position 605. The arginine at codon 202 is replaced by histidine, an amino acid with highly similar properties. This amino acid position is conserved. In addition, the in silico prediction for this alteration is inconclusive. Since supporting evidence is limited at this time, the clinical significance of this alteration remains unclear.

NM_003579.4(RAD54L):c.605G>A (p.Arg202His)

Gene: RAD54L (RAD54 like; plus strand). Cytogenetic location: 1p34.1.
Variant type: single nucleotide variant.
Coding change: c.605G>A on transcript NM_003579.4 (MANE Select); coding-DNA position 605, G replaced by A.
Protein change: p.Arg202His; replaces arginine 202 with histidine.
Molecular consequence: missense variant.
Genome position (GRCh38, 1-based): chr1:46,260,854, G>A. VCF-style: chr1-46260854-G-A. GRCh37 (hg19) VCF-style: chr1-46726526-G-A.
Other names: c.605G>A, p.Arg202His (NM_001142548.2); c.65G>A, p.Arg22His (NM_001370766.1); short protein forms R22H, R202H.
Identifiers: ClinVar variation 1751320 (VCV001751320.2), dbSNP rs761573792, ClinGen allele CA834313.